The following is an entry in ClinVar:

ClinVar aggregate classification (germline): Uncertain significance (1 of 4 stars; one submission).

Conditions:
Developmental and epileptic encephalopathy, 9 (DEE9). Also called: Early infantile epileptic encephalopathy 9; JUBERG-HELLMAN SYNDROME; PCDH19-Related X-Linked Female-Limited Epilepsy with Mental Retardation; EPILEPSY, FEMALE-RESTRICTED, WITH MENTAL RETARDATION. Identifiers: Orphanet 101039, Orphanet 2076, MedGen C1848137, MONDO:0010246, OMIM 300088. Disease mechanism: loss of function.

Submission:

Labcorp Genetics (formerly Invitae), Labcorp
Classification: Uncertain significance for Developmental and epileptic encephalopathy, 9. Last evaluated: 2022-06-04. Review status: criteria provided, single submitter. Criteria: Invitae Variant Classification Sherloc (09022015). Collection method: clinical testing. Allele origin: germline.
Comment: In summary, the available evidence is currently insufficient to determine the role of this variant in disease. Therefore, it has been classified as a Variant of Uncertain Significance. Advanced modeling of protein sequence and biophysical properties (such as structural, functional, and spatial information, amino acid conservation, physicochemical variation, residue mobility, and thermodynamic stability) performed at Invitae indicates that this missense variant is not expected to disrupt PCDH19 protein function. This variant has not been reported in the literature in individuals affected with PCDH19-related conditions. This variant is not present in population databases (gnomAD no frequency). This sequence change replaces serine, which is neutral and polar, with alanine, which is neutral and non-polar, at codon 28 of the PCDH19 protein (p.Ser28Ala).

NM_001184880.2(PCDH19):c.82T>G (p.Ser28Ala)

Gene: PCDH19 (protocadherin 19; minus strand). Cytogenetic location: Xq22.1.
Variant type: single nucleotide variant.
Coding change: c.82T>G on transcript NM_001184880.2 (MANE Select); coding-DNA position 82, T replaced by G.
Protein change: p.Ser28Ala; replaces serine 28 with alanine.
Molecular consequence: missense variant.
Genome position (GRCh38, 1-based): chrX:100,408,516, A>C on the plus strand (T>G on the coding strand, the complement: PCDH19 is on the minus strand). VCF-style: chrX-100408516-A-C. GRCh37 (hg19) VCF-style: chrX-99663514-A-C.
Other names: c.82T>G, p.Ser28Ala (NM_001105243.2, NM_020766.3); short protein forms S28A.
Identifiers: ClinVar variation 1949840 (VCV001949840.5), dbSNP rs2520998872, ClinGen allele CA414011413.